The following is an entry in ClinVar:

NM_002109.6(HARS1):c.369G>T (p.Glu123Asp)

Gene: HARS1 (histidyl-tRNA synthetase 1; minus strand). Cytogenetic location: 5q31.3.
Variant type: single nucleotide variant.
Coding change: c.369G>T on transcript NM_002109.6 (MANE Select); coding-DNA position 369, G replaced by T.
Protein change: p.Glu123Asp; replaces glutamic acid 123 with aspartic acid.
Molecular consequence: missense variant. On other transcripts: intron variant (2).
Genome position (GRCh38, 1-based): chr5:140,679,815, C>A on the plus strand (G>T on the coding strand, the complement: HARS1 is on the minus strand). VCF-style: chr5-140679815-C-A. GRCh37 (hg19) VCF-style: chr5-140059400-C-A.
Other names: c.249G>T, p.Glu83Asp (NM_001258040.3, NM_001258042.3); c.369G>T, p.Glu123Asp (NM_001258041.3); c.282G>T, p.Glu94Asp (NM_001289094.2); c.181-1800G>T (NM_001289093.2); c.301-1800G>T (NM_001289092.2); short protein forms E123D, E83D, E94D.
Identifiers: ClinVar variation 1680354 (VCV001680354.6), dbSNP rs2149827889, ClinGen allele CA361257693.
Genomic context (GRCh38, chr5:140,679,815, plus strand): 5'-CAAAGTCTCAAGAGCCCAAGTTTAGAAAGATACAGTGAGGTCATAGCGAAGGGACAGGAG[C>A]TCCCCGCCCTGGTCCTTCAGGTCATAGATAAGCTTGGAGTCTTCCCCATACTTTCCCATC-3'
Protein context (NP_002100.2, residues 113-133): LIYDLKDQGG[Glu123Asp]LLSLRYDLTV

ClinVar aggregate classification (germline): Uncertain significance (1 of 4 stars; one submission).

Conditions:
Usher syndrome type 3B. Also called: USHER SYNDROME, TYPE IIIB. Identifiers: MedGen C3281066, MONDO:0013788, OMIM 614504.

Submission:

Labcorp Genetics (formerly Invitae), Labcorp
Classification: Uncertain significance for Usher syndrome type 3B. Last evaluated: 2022-07-19. Review status: criteria provided, single submitter. Criteria: Invitae Variant Classification Sherloc (09022015). Collection method: clinical testing. Allele origin: germline.
Comment: This variant has not been reported in the literature in individuals affected with HARS-related conditions. In summary, the available evidence is currently insufficient to determine the role of this variant in disease. Therefore, it has been classified as a Variant of Uncertain Significance. Algorithms developed to predict the effect of missense changes on protein structure and function are either unavailable or do not agree on the potential impact of this missense change (SIFT: "Deleterious"; PolyPhen-2: "Probably Damaging"; Align-GVGD: "Class C0"). ClinVar contains an entry for this variant (Variation ID: 1680354). This variant is not present in population databases (gnomAD no frequency). This sequence change replaces glutamic acid, which is acidic and polar, with aspartic acid, which is acidic and polar, at codon 123 of the HARS protein (p.Glu123Asp).